The following is an entry in ClinVar:

NM_001374736.1(DST):c.16078G>A (p.Ala5360Thr)

Gene: DST (dystonin; minus strand). Cytogenetic location: 6p12.1.
Variant type: single nucleotide variant.
Coding change: c.16078G>A on transcript NM_001374736.1 (MANE Select); coding-DNA position 16078, G replaced by A.
Protein change: p.Ala5360Thr; replaces alanine 5360 with threonine.
Molecular consequence: missense variant.
Genome position (GRCh38, 1-based): chr6:56,552,714, C>T on the plus strand (G>A on the coding strand, the complement: DST is on the minus strand). VCF-style: chr6-56552714-C-T. GRCh37 (hg19) VCF-style: chr6-56417512-C-T.
Other names: c.9721G>A, p.Ala3241Thr (NM_001144769.5); c.9307G>A, p.Ala3103Thr (NM_001144770.2); c.16078G>A, p.Ala5360Thr (NM_001374722.1); c.15445G>A, p.Ala5149Thr (NM_001374729.1); c.9187G>A, p.Ala3063Thr (NM_001374730.1, NM_183380.4); c.16105G>A, p.Ala5369Thr (NM_001374734.1); c.8209G>A, p.Ala2737Thr (NM_015548.5); short protein forms A2737T, A5360T, A5369T, A3063T, A3103T, A3241T, A5149T.
Identifiers: ClinVar variation 970356 (VCV000970356.6), dbSNP rs779849952, ClinGen allele CA3867724.

ClinVar aggregate classification (germline): Uncertain significance (1 of 4 stars; one submission).

Conditions:
Epidermolysis bullosa simplex 3, localized or generalized intermediate, with BP230 deficiency (EBS3). Also called: Epidermolysis bullosa simplex, autosomal recessive 2; Epidermolysis bullosa simplex due to BP230 deficiency. Identifiers: Orphanet 412181, MedGen C3809470, MONDO:0014180, OMIM 615425.
Hereditary sensory and autonomic neuropathy type 6. Also called: Neuropathy, hereditary sensory and autonomic, type VI; HSAN VI. Identifiers: Orphanet 314381, MedGen C3539003, MONDO:0013839, OMIM 614653.

Allele frequency attached by ClinVar (database versions not stated): gnomAD exomes 0.00001.
gnomAD v4.1: 5 of 1,612,794 alleles (0.00031%); highest among the groups gnomAD compares: South Asian, 0.0055%; no homozygotes.

Submission:

Labcorp Genetics (formerly Invitae), Labcorp
Classification: Uncertain significance for Epidermolysis bullosa simplex 3, localized or generalized intermediate, with BP230 deficiency; Hereditary sensory and autonomic neuropathy type 6. Last evaluated: 2019-06-09. Review status: criteria provided, single submitter. Criteria: Invitae Variant Classification Sherloc (09022015). Collection method: clinical testing. Allele origin: germline.
Comment: This sequence change replaces alanine with threonine at codon 2737 of the DST protein (p.Ala2737Thr). The alanine residue is weakly conserved and there is a small physicochemical difference between alanine and threonine. The DST gene has multiple clinically relevant transcripts. The p.Ala2737Thr variant occurs in alternate transcript NM_015548.4, which corresponds to c.*62803G>A in NM_001723.5, the primary transcript listed in the Methods. This variant is present in population databases (rs779849952, ExAC 0.006%). This variant has not been reported in the literature in individuals with DST-related conditions. Algorithms developed to predict the effect of missense changes on protein structure and function are either unavailable or do not agree on the potential impact of this missense change (SIFT: "Tolerated"; PolyPhen-2: "Not Available"; Align-GVGD: "Class C0"). In summary, the available evidence is currently insufficient to determine the role of this variant in disease. Therefore, it has been classified as a Variant of Uncertain Significance.